The following is an entry in ClinVar:

ClinVar aggregate classification (germline): Uncertain significance (1 of 4 stars; one submission).

Submission:

Women's Health and Genetics/Laboratory Corporation of America, LabCorp
Classification: Uncertain significance. Last evaluated: 2025-03-05. Review status: criteria provided, single submitter. Criteria: LabCorp Variant Classification Summary - May 2015. Collection method: clinical testing. Allele origin: germline.
Comment: Variant summary: The variant involves the duplication of exons 1-2 in the GP1BB gene. This duplication includes the entire coding sequence of the gene. As exact breakpoints are unknown, it may extend beyond the annotated region of the gene, to include other flanking genes. A presumed nomenclature of c.(?_-32)_(*308_?)dup has been designated for the purposes of this classification. The variant was absent in 20588 control chromosomes. The available data on variant occurrences in the general population are insufficient to allow any conclusion about variant significance. To our knowledge, no occurrence of c.(?_-32)_(*308_?)dup in individuals affected with Bernard Soulier Syndrome and no experimental evidence demonstrating its impact on protein function have been reported. ClinVar contains an entry for this variant (Variation ID: 395460). Based on the evidence outlined above, the variant was classified as uncertain significance.

NC_000022.10:g.(?_19711061)_(19712295_?)dup

Gene: GP1BB (glycoprotein Ib platelet subunit beta; plus strand). Cytogenetic location: 22q11.21.
Variant type: Duplication.
Identifiers: ClinVar variation 3895816 (VCV003895816.1).